The following is an entry in ClinVar:

NM_001130823.3(DNMT1):c.789T>G (p.Ser263Arg)

Gene: DNMT1 (DNA methyltransferase 1; minus strand). Cytogenetic location: 19p13.2.
Variant type: single nucleotide variant.
Coding change: c.789T>G on transcript NM_001130823.3 (MANE Select); coding-DNA position 789, T replaced by G.
Protein change: p.Ser263Arg; replaces serine 263 with arginine.
Molecular consequence: missense variant.
Genome position (GRCh38, 1-based): chr19:10,168,344, A>C on the plus strand (T>G on the coding strand, the complement: DNMT1 is on the minus strand). VCF-style: chr19-10168344-A-C. GRCh37 (hg19) VCF-style: chr19-10279020-A-C.
Other names: c.741T>G, p.Ser247Arg (NM_001318730.2, NM_001379.4); c.426T>G, p.Ser142Arg (NM_001318731.2); short protein forms S142R, S263R, S247R.
Identifiers: ClinVar variation 2986284 (VCV002986284.3), dbSNP rs2513859095, ClinGen allele CA403942745.

ClinVar aggregate classification (germline): Uncertain significance (1 of 4 stars; one submission).

Conditions:
Hereditary sensory neuropathy-deafness-dementia syndrome. Also called: Hereditary sensory neuropathy type IE; HSN IE; NEUROPATHY, HEREDITARY SENSORY, WITH HEARING LOSS AND DEMENTIA; Hereditary Sensory and Autonomic Neuropathy Type 1E (HSAN1E). Identifiers: Orphanet 456318, MedGen C3279885, MONDO:0013584, OMIM 614116.

Submission:

Labcorp Genetics (formerly Invitae), Labcorp
Classification: Uncertain significance for Hereditary sensory neuropathy-deafness-dementia syndrome. Last evaluated: 2024-02-07. Review status: criteria provided, single submitter. Criteria: Invitae Variant Classification Sherloc (09022015). Collection method: clinical testing. Allele origin: germline.
Comment: This sequence change replaces serine, which is neutral and polar, with arginine, which is basic and polar, at codon 263 of the DNMT1 protein (p.Ser263Arg). This variant is not present in population databases (gnomAD no frequency). This variant has not been reported in the literature in individuals affected with DNMT1-related conditions. Algorithms developed to predict the effect of missense changes on protein structure and function output the following: SIFT: "Not Available"; PolyPhen-2: "Benign"; Align-GVGD: "Not Available". The arginine amino acid residue is found in multiple mammalian species, which suggests that this missense change does not adversely affect protein function. In summary, the available evidence is currently insufficient to determine the role of this variant in disease. Therefore, it has been classified as a Variant of Uncertain Significance.